The following is an entry in ClinVar:

NM_000520.6(HEXA):c.1361G>A (p.Gly454Asp)

Gene: HEXA (hexosaminidase subunit alpha; minus strand). Cytogenetic location: 15q23.
Variant type: single nucleotide variant.
Coding change: c.1361G>A on transcript NM_000520.6 (MANE Select); coding-DNA position 1361, G replaced by A.
Protein change: p.Gly454Asp; replaces glycine 454 with aspartic acid.
Molecular consequence: missense variant. On other transcripts: non-coding transcript variant (1).
Genome position (GRCh38, 1-based): chr15:72,346,295, C>T on the plus strand (G>A on the coding strand, the complement: HEXA is on the minus strand). VCF-style: chr15-72346295-C-T. GRCh37 (hg19) VCF-style: chr15-72638636-C-T.
Other names: c.1361G>A (NM_000520.5); c.1394G>A, p.Gly465Asp (NM_001318825.2); short protein forms G454D, G465D.
Identifiers: ClinVar variation 555211 (VCV000555211.11), dbSNP rs1229811721, ClinGen allele CA393059292.
Genomic context (GRCh38, chr15:72,346,295, plus strand): 5'-CAGAGCCTGGGGACCAGGTTTGTGTTGTCCACATATTCTCCCCACATACAAGCCTCTCCA[C>T]CAATCACCAGAGCCTTCTGCTCAGGGGTACCTGAGGGAAAACAAGCAACAACAGTCTGGT-3'
Protein context (NP_000511.2, residues 444-464): GTPEQKALVI[Gly454Asp]GEACMWGEYV

ClinVar aggregate classification (germline): Conflicting classifications of pathogenicity. Review status: criteria provided, conflicting classifications (1 of 4 stars). 4 submissions from 4 submitters: Pathogenic (1); Likely pathogenic (1); Uncertain significance (1). 1 of the submissions does not count toward it. Last evaluated 2025-10-10.

Conditions:
Tay-Sachs disease (TSD). Also called: HEXA Disorders; HEXA DEFICIENCY; Hexosaminidase A Deficiency; GM2 gangliosidosis, type 1; Hexosaminidase alpha-subunit deficiency (variant B); Sphingolipidosis, Tay-Sachs. Identifiers: Orphanet 845, MedGen C0039373, MONDO:0010100, OMIM 272800.

Allele frequency attached by ClinVar (database versions not stated): gnomAD exomes below 0.00001.
gnomAD v4.1: 1 of 1,614,088 alleles (0.000062%); highest among the groups gnomAD compares: Non-Finnish European, 0.000085%; no homozygotes.

Submissions (4):

Natera, Inc.
Classification: Likely pathogenic for Tay-Sachs disease. Last evaluated: 2025-10-10. Review status: criteria provided, single submitter. Criteria: Natera Variant Classification Schema (03/2026). Collection method: clinical testing. Allele origin: germline.
Comment: The c.1361G>A variant in HEXA is a missense variant predicted to cause substitution of glycine to aspartic acid at amino acid 454. This variant is rare in the general population with a frequency below the threshold expected for the associated phenotype(s). This variant has been observed in one or more individuals affected with the associated recessive disease, as either homozygous or compound heterozygous with a second variant (PMID: 35068126, 9851891, 40172712). Functional studies show that this variant may disrupt protein function (PMID: 12689698). Computational prediction algorithms indicate this variant is likely to affect gene or protein function. Given the available evidence, this variant is classified as Likely Pathogenic.

Labcorp Genetics (formerly Invitae), Labcorp
Classification: Pathogenic for Tay-Sachs disease. Last evaluated: 2024-10-24. Review status: criteria provided, single submitter. Criteria: Invitae Variant Classification Sherloc (09022015). Collection method: clinical testing. Allele origin: germline.
Comment: This sequence change replaces glycine, which is neutral and non-polar, with aspartic acid, which is acidic and polar, at codon 454 of the HEXA protein (p.Gly454Asp). This variant is not present in population databases (gnomAD no frequency). This missense change has been observed in individual(s) with Tay-Sachs disease (PMID: 9851891). ClinVar contains an entry for this variant (Variation ID: 555211). Invitae Evidence Modeling of protein sequence and biophysical properties (such as structural, functional, and spatial information, amino acid conservation, physicochemical variation, residue mobility, and thermodynamic stability) indicates that this missense variant is expected to disrupt HEXA protein function with a positive predictive value of 95%. Experimental studies have shown that this missense change affects HEXA function (PMID: 12689698). This variant disrupts the p.Gly454 amino acid residue in HEXA. Other variant(s) that disrupt this residue have been determined to be pathogenic (PMID: 16088929). This suggests that this residue is clinically significant, and that variants that disrupt this residue are likely to be disease-causing. For these reasons, this variant has been classified as Pathogenic.

Genomic Research Center, Shahid Beheshti University of Medical Sciences
Classification: Uncertain significance for Tay-Sachs disease. Last evaluated: 2019-01-01. Review status: criteria provided, single submitter. Criteria: ACMG Guidelines, 2015. Collection method: clinical testing. Allele origin: inherited. Affected: yes. Observed: 1 variant allele.

Counsyl
Classification: Uncertain significance for Tay-Sachs disease. Last evaluated: 2017-11-29. Review status: no assertion criteria provided. Collection method: clinical testing. Allele origin: unknown. Not counted in ClinVar's aggregate classification.

Literature cited by the submitters: PubMed 35068126 (cited by Natera, Inc.); PubMed 9851891 (cited by 3 submitters); PubMed 40172712 (cited by Natera, Inc.); PubMed 12689698 (cited by 3 submitters); PubMed 16088929 (cited by Labcorp Genetics (formerly Invitae), Labcorp); PubMed 16698036 (cited by Counsyl).